The following is an entry in ClinVar:

ClinVar aggregate classification (germline): Uncertain significance (1 of 4 stars; one submission).

Conditions:
Familial cancer of breast. Also called: BREAST CANCER, FAMILIAL; Hereditary breast cancer; hereditary breast carcinoma. Identifiers: Orphanet 227535, MedGen C0346153, MONDO:0016419, OMIM 114480. Disease mechanism: loss of function.

gnomAD v4.1: 3 of 1,614,032 alleles (0.00019%); highest among the groups gnomAD compares: Non-Finnish European, 0.00025%; no homozygotes.

Submission:

KCCC/NGS Laboratory, Kuwait Cancer Control Center
Classification: Uncertain significance for Familial cancer of breast. Last evaluated: 2025-12-01. Review status: criteria provided, single submitter. Criteria: ACMG Guidelines, 2015. Collection method: clinical testing. Allele origin: germline. Inheritance: Autosomal dominant inheritance. Affected: yes.
Comment: the available evidence is currently insufficient to determine the role of this variant in disease. Therefore, it has been classified as a Variant of Uncertain Significance.

NM_000051.4(ATM):c.8381A>G (p.Asn2794Ser)

Genes: ATM (ATM serine/threonine kinase; plus strand), C11orf65 (chromosome 11 open reading frame 65; minus strand). Cytogenetic location: 11q22.3.
Variant type: single nucleotide variant.
Coding change: c.8381A>G on transcript NM_000051.4 (MANE Select); coding-DNA position 8381, A replaced by G.
Protein change: p.Asn2794Ser; replaces asparagine 2794 with serine.
Molecular consequence: missense variant. On other transcripts: intron variant (2).
Genome position (GRCh38, 1-based): chr11:108,343,334, A>G. VCF-style: chr11-108343334-A-G. GRCh37 (hg19) VCF-style: chr11-108214061-A-G.
Other names: c.8381A>G, p.Asn2794Ser (NM_001351834.2); c.641-34263T>C (NM_001330368.2); c.695-8042T>C (NM_001351110.2); short protein forms N2794S.
Identifiers: ClinVar variation 4686568 (VCV004686568.1).